The following is an entry in ClinVar:

NM_003072.5(SMARCA4):c.3957G>C (p.Met1319Ile)

Gene: SMARCA4 (SWI/SNF related BAF chromatin remodeling complex subunit ATPase 4; plus strand). Cytogenetic location: 19p13.2.
Variant type: single nucleotide variant.
Coding change: c.3957G>C on transcript NM_003072.5 (MANE Select); coding-DNA position 3957, G replaced by C.
Protein change: p.Met1319Ile; replaces methionine 1319 with isoleucine.
Molecular consequence: missense variant. On other transcripts: non-coding transcript variant (1).
Genome position (GRCh38, 1-based): chr19:11,034,919, G>C. VCF-style: chr19-11034919-G-C. GRCh37 (hg19) VCF-style: chr19-11145595-G-C.
Other names: c.3957G>C, p.Met1319Ile (NM_001128844.3, NM_001128849.3, NM_001387283.1); c.3858G>C, p.Met1286Ile (NM_001128845.2, NM_001128846.2, NM_001128847.4 and 3 more transcripts); short protein forms M1286I, M1319I.
Identifiers: ClinVar variation 5029811 (VCV005029811.1).

ClinVar aggregate classification (germline): Uncertain significance (1 of 4 stars; one submission).

Conditions:
Hereditary cancer-predisposing syndrome. Also called: Neoplastic Syndromes, Hereditary; Tumor predisposition; Hereditary neoplastic syndrome; Hereditary Cancer Syndrome. Identifiers: Orphanet 140162, MedGen C0027672, MeSH D009386, MONDO:0015356.

Submission:

Ambry Genetics
Classification: Uncertain significance for Hereditary cancer-predisposing syndrome. Last evaluated: 2026-06-16. Review status: criteria provided, single submitter. Criteria: Ambry Variant Classification Scheme 2023. Collection method: clinical testing. Allele origin: germline.
Comment: The p.M1319I variant (also known as c.3957G>C), located in coding exon 28 of the SMARCA4 gene, results from a G to C substitution at nucleotide position 3957. The methionine at codon 1319 is replaced by isoleucine, an amino acid with highly similar properties. This amino acid position is conserved. In addition, the in silico prediction for this alteration is inconclusive. Based on the available evidence, the clinical significance of this variant remains unclear.